The following is an entry in ClinVar:

ClinVar aggregate classification (germline): Uncertain significance. Review status: criteria provided, multiple submitters, no conflicts (2 of 4 stars). 2 submissions from 2 submitters: Uncertain significance (2). Last evaluated 2025-05-05.

Conditions:
Hereditary cancer-predisposing syndrome. Also called: Hereditary neoplastic syndrome; Tumor predisposition; Neoplastic Syndromes, Hereditary; Hereditary Cancer Syndrome. Identifiers: Orphanet 140162, MedGen C0027672, MeSH D009386, MONDO:0015356.
Juvenile polyposis syndrome (JPS). Identifiers: Orphanet 2929, MedGen C0345893, MONDO:0017380, OMIM 174900.

Submissions (2):

Ambry Genetics
Classification: Uncertain significance for Hereditary cancer-predisposing syndrome. Last evaluated: 2025-05-05. Review status: criteria provided, single submitter. Criteria: Ambry Variant Classification Scheme 2023. Collection method: clinical testing. Allele origin: germline.
Comment: The p.R471P variant (also known as c.1412G>C), located in coding exon 10 of the BMPR1A gene, results from a G to C substitution at nucleotide position 1412. The arginine at codon 471 is replaced by proline, an amino acid with dissimilar properties. This amino acid position is conserved. In addition, this alteration is predicted to be deleterious by in silico analysis. Based on the available evidence, the clinical significance of this variant remains unclear.

Labcorp Genetics (formerly Invitae), Labcorp
Classification: Uncertain significance for Juvenile polyposis syndrome. Last evaluated: 2022-07-30. Review status: criteria provided, single submitter. Criteria: Invitae Variant Classification Sherloc (09022015). Collection method: clinical testing. Allele origin: germline.
Comment: This sequence change replaces arginine, which is basic and polar, with proline, which is neutral and non-polar, at codon 471 of the BMPR1A protein (p.Arg471Pro). This variant is not present in population databases (gnomAD no frequency). In summary, the available evidence is currently insufficient to determine the role of this variant in disease. Therefore, it has been classified as a Variant of Uncertain Significance. Advanced modeling of protein sequence and biophysical properties (such as structural, functional, and spatial information, amino acid conservation, physicochemical variation, residue mobility, and thermodynamic stability) performed at Invitae indicates that this missense variant is expected to disrupt BMPR1A protein function. This variant has not been reported in the literature in individuals affected with BMPR1A-related conditions.

NM_004329.3(BMPR1A):c.1412G>C (p.Arg471Pro)

Gene: BMPR1A (bone morphogenetic protein receptor type 1A; plus strand). Cytogenetic location: 10q23.2.
Variant type: single nucleotide variant.
Coding change: c.1412G>C on transcript NM_004329.3 (MANE Select); coding-DNA position 1412, G replaced by C.
Protein change: p.Arg471Pro; replaces arginine 471 with proline.
Molecular consequence: missense variant.
Genome position (GRCh38, 1-based): chr10:86,923,445, G>C. VCF-style: chr10-86923445-G-C. GRCh37 (hg19) VCF-style: chr10-88683202-G-C.
Other names: c.1487G>C, p.Arg496Pro (NM_001406559.1); c.1460G>C, p.Arg487Pro (NM_001406560.1); c.1412G>C, p.Arg471Pro (NM_001406561.1, NM_001406562.1, NM_001406563.1 and 19 more transcripts); c.1406G>C, p.Arg469Pro (NM_001406583.1); c.1328G>C, p.Arg443Pro (NM_001406584.1, NM_001406585.1, NM_001406586.1 and 2 more transcripts); c.1070G>C, p.Arg357Pro (NM_001406589.1); short protein forms R357P, R443P, R469P, R471P, R487P, R496P.
Identifiers: ClinVar variation 1714373 (VCV001714373.7), dbSNP rs779371501, ClinGen allele CA377462978.